The following is an entry in ClinVar:

NM_001009944.3(PKD1):c.6638G>C (p.Arg2213Pro)

Gene: PKD1 (polycystin 1, transient receptor potential channel interacting; minus strand). Cytogenetic location: 16p13.3.
Variant type: single nucleotide variant.
Coding change: c.6638G>C on transcript NM_001009944.3 (MANE Select); coding-DNA position 6638, G replaced by C.
Protein change: p.Arg2213Pro; replaces arginine 2213 with proline.
Molecular consequence: missense variant.
Genome position (GRCh38, 1-based): chr16:2,108,529, C>G on the plus strand (G>C on the coding strand, the complement: PKD1 is on the minus strand). VCF-style: chr16-2108529-C-G. GRCh37 (hg19) VCF-style: chr16-2158530-C-G.
Other names: c.6638G>C, p.Arg2213Pro (NM_000296.4); short protein forms R2213P.
Identifiers: ClinVar variation 3234023 (VCV003234023.2), dbSNP rs751540966, ClinGen allele CA394373171.
Genomic context (GRCh38, chr16:2,108,529, plus strand): 5'-ACAAACACAAAGCAGTAGTGCCCCACAGGCAGCGCCAGCCGCGGCAGCACCAGCCGAGGC[C>G]GGCTCACGTCCACGCCGGGCAGGGCCACACGCGCTGGGCGCCCCGGCCGCTGGCAGCTGG-3'
Protein context (NP_001009944.3, residues 2203-2223): RVALPGVDVS[Arg2213Pro]PRLVLPRLAL

ClinVar aggregate classification (germline): Uncertain significance. Review status: criteria provided, multiple submitters, no conflicts (2 of 4 stars). 2 submissions from 2 submitters: Uncertain significance (2). Last evaluated 2023-06-02.

Conditions:
Polycystic kidney disease, adult type (PKD1). Also called: Polycystic Kidney Disease 1, Autosomal Dominant; Polycystic kidney disease 1; Polycystic kidney disease 1, severe; Polycystic Kidney, Autosomal Dominant; POLYCYSTIC KIDNEY DISEASE 1 WITH OR WITHOUT POLYCYSTIC LIVER DISEASE; POLYCYSTIC KIDNEY DISEASE, ADULT, TYPE I. Identifiers: MedGen C3149841, MONDO:0008263, OMIM 173900.

Submissions (2):

GeneDx
Classification: Uncertain significance. Last evaluated: 2023-06-02. Review status: criteria provided, single submitter. Criteria: GeneDx Variant Classification Process June 2021. Collection method: clinical testing. Allele origin: germline. Affected: yes.
Comment: Not observed at significant frequency in large population cohorts (gnomAD); In silico analysis supports that this missense variant has a deleterious effect on protein structure/function; Has not been previously published as pathogenic or benign to our knowledge

MVZ Medizinische Genetik Mainz
Classification: Uncertain significance for Polycystic kidney disease, adult type. Last evaluated: 2022-09-16. Review status: criteria provided, single submitter. Criteria: UK Practice Guidelines For Variant Classification V4 01 2020. Collection method: clinical testing. Allele origin: germline. Inheritance: Autosomal dominant inheritance. Affected: yes. Observed: 1 variant allele.
Comment: ACMG Criteria: PM_SUP, PP3, PP4